The following is an entry in ClinVar:

NM_006648.4(WNK2):c.5779G>A (p.Gly1927Ser)

Gene: WNK2 (WNK lysine deficient protein kinase 2; plus strand). Cytogenetic location: 9q22.31.
Variant type: single nucleotide variant.
Coding change: c.5779G>A on transcript NM_006648.4 (MANE Select); coding-DNA position 5779, G replaced by A.
Protein change: p.Gly1927Ser; replaces glycine 1927 with serine.
Molecular consequence: missense variant.
Genome position (GRCh38, 1-based): chr9:93,297,923, G>A. VCF-style: chr9-93297923-G-A. GRCh37 (hg19) VCF-style: chr9-96060205-G-A.
Other names: c.5890G>A, p.Gly1964Ser (NM_001282394.3); short protein forms G1964S, G1927S.
Identifiers: ClinVar variation 3981653 (VCV003981653.1).

ClinVar aggregate classification (germline): Uncertain significance (1 of 4 stars; one submission).

gnomAD v4.1: 1 of 1,589,604 alleles (0.000063%); highest among the groups gnomAD compares: Non-Finnish European, 0.000085%; no homozygotes.

Submission:

Ambry Genetics
Classification: Uncertain significance. Last evaluated: 2025-03-17. Review status: criteria provided, single submitter. Criteria: Ambry Variant Classification Scheme 2023. Collection method: clinical testing. Allele origin: germline.
Comment: The p.G1927S variant (also known as c.5779G>A), located in coding exon 23 of the WNK2 gene, results from a G to A substitution at nucleotide position 5779. The glycine at codon 1927 is replaced by serine, an amino acid with similar properties. This amino acid position is conserved. In addition, this alteration is predicted to be deleterious by in silico analysis. Based on the available evidence, the clinical significance of this variant remains unclear.